The following is an entry in ClinVar:

ClinVar aggregate classification (germline): Benign (1 of 4 stars; one submission).

Conditions:
MELAS syndrome (MELAS). Also called: Juvenile myopathy, encephalopathy, lactic acidosis, stroke. Identifiers: Orphanet 550, MedGen C0162671, MONDO:0010789, OMIM 540000.

Submission:

Wong Mito Lab, Molecular and Human Genetics, Baylor College of Medicine
Classification: Benign for MELAS syndrome. Last evaluated: 2019-07-12. Review status: criteria provided, single submitter. Criteria: Modified ACMG Guidelines (Unpublished). Collection method: clinical testing. Allele origin: germline.
Comment: The NC_012920.1:m.7572T>C variant in MT-TD gene is interpreted to be a Benign variant based on the modified ACMG guidelines (unpublished). This variant meets the following evidence codes reported in the guidelines: BS1, BS4, BP4

Literature cited by the submitters: PubMed 31965079.

NC_012920.1(MT-TD):m.7572T>C

Gene: MT-TD (mitochondrially encoded tRNA aspartic acid; plus strand).
Variant type: single nucleotide variant.
Genome position: chrM-7572-T-C.
Identifiers: ClinVar variation 690056 (VCV000690056.1), dbSNP rs1603221022, ClinGen allele CA913177451.
Genomic context (GRCh38, chrMT:7,572, plus strand): 5'-TTCAAAAAGGTATTAGAAAAACCATTTCATAACTTTGTCAAAGTTAAATTATAGGCTAAA[T>C]CCTATATATCTTAATGGCACATGCAGCGCAAGTAGGTCTACAAGACGCTACTTCCCCTAT-3'